The following is an entry in ClinVar:

ClinVar aggregate classification (germline): Uncertain significance. Review status: criteria provided, multiple submitters, no conflicts (2 of 4 stars). 2 submissions from 2 submitters: Uncertain significance (2). Last evaluated 2021-12-24.

Conditions:
Autosomal recessive ataxia, Beauce type. Also called: Spinocerebellar ataxia, autosomal recessive 8; ATAXIA, RECESSIVE, OF BEAUCE; SYNE1 Deficiency; SYNE1-Related Autosomal Recessive Cerebellar Ataxia. Identifiers: Orphanet 88644, MedGen C1853116, MONDO:0012549, OMIM 610743.
Emery-Dreifuss muscular dystrophy 4, autosomal dominant (EDMD4). Also called: EMERY-DREIFUSS MUSCULAR DYSTROPHY 4 WITH VARIABLE FEATURES. Identifiers: Orphanet 261, MedGen C2751807, MONDO:0013071, OMIM 612998.

Submissions (2):

Labcorp Genetics (formerly Invitae), Labcorp
Classification: Uncertain significance for Emery-Dreifuss muscular dystrophy 4, autosomal dominant; Autosomal recessive ataxia, Beauce type. Last evaluated: 2021-12-24. Review status: criteria provided, single submitter. Criteria: Invitae Variant Classification Sherloc (09022015). Collection method: clinical testing. Allele origin: germline.
Comment: In summary, the available evidence is currently insufficient to determine the role of this variant in disease. Therefore, it has been classified as a Variant of Uncertain Significance. Algorithms developed to predict the effect of missense changes on protein structure and function (SIFT, PolyPhen-2, Align-GVGD) all suggest that this variant is likely to be disruptive. ClinVar contains an entry for this variant (Variation ID: 288509). This variant has not been reported in the literature in individuals affected with SYNE1-related conditions. This variant is not present in population databases (gnomAD no frequency). This sequence change replaces glutamine, which is neutral and polar, with proline, which is neutral and non-polar, at codon 5533 of the SYNE1 protein (p.Gln5533Pro).

Eurofins Ntd Llc (ga)
Classification: Uncertain significance. Last evaluated: 2016-06-06. Review status: criteria provided, single submitter. Criteria: EGL Classification Definitions 2015. Collection method: clinical testing. Allele origin: germline. Observed: 1 variant allele, 1 heterozygote.

NM_182961.4(SYNE1):c.16811A>C (p.Gln5604Pro)

Genes: SYNE1 (spectrin repeat containing nuclear envelope protein 1; minus strand), LOC126859837 (BRD4-independent group 4 enhancer GRCh37_chr6:152630775-152631974; plus strand). Cytogenetic location: 6q25.2.
Variant type: single nucleotide variant.
Coding change: c.16811A>C on transcript NM_182961.4 (MANE Select); coding-DNA position 16811, A replaced by C.
Protein change: p.Gln5604Pro; replaces glutamine 5604 with proline.
Molecular consequence: missense variant.
Genome position (GRCh38, 1-based): chr6:152,310,773, T>G on the plus strand (A>C on the coding strand, the complement: SYNE1 is on the minus strand). VCF-style: chr6-152310773-T-G. GRCh37 (hg19) VCF-style: chr6-152631908-T-G.
Other names: c.16598A>C, p.Gln5533Pro (NM_033071.5); short protein forms Q5604P, Q5533P.
Identifiers: ClinVar variation 288509 (VCV000288509.10), dbSNP rs886043922, ClinGen allele CA10606115.
Genomic context (GRCh38, chr6:152,310,773, plus strand): 5'-AAACGAATTTTGATCATCTGTCGCAACTCCTCAGTCTCCCGTCCCAGTTCTGCCACTTGC[T>G]GAGACATTTTTTCTGTACAGTACACGCTAGTGAGGTACTGTAATTTCTCAGTCATTGCTT-3'
Protein context (NP_892006.3, residues 5594-5614): TSVYCTEKMS[Gln5604Pro]QVAELGRETE